The following continues an entry in ClinVar:

NM_000518.5(HBB):c.92+5G>C

ClinVar aggregate classification (germline): Pathogenic. Pathogenic (1).

Submissions 21 to 38 of 49:

Neuberg Centre For Genomic Medicine, NCGM
Classification: Pathogenic for Dominant beta-thalassemia. Last evaluated: 2023-07-22. Review status: criteria provided, single submitter. Criteria: ACMG Guidelines, 2015. Collection method: clinical testing. Allele origin: germline. Inheritance: Autosomal dominant inheritance. Affected: yes. Not counted in ClinVar's aggregate classification.
Comment: The observed splice region c.92+5G>C variant in HBB gene has been reported in homozygous and compound heterozygous states in multiple individuals affected with beta thalassemia Panja et al., 2016; Yasmeen et al., 2016; Muhammad et al., 2017. Experimental Studies demonstrate that the variant causes aberrant splicing, leading to a significant reduction in full-length mRNA Treisman et al., 1983. The c.92+5G>C variant is present with the allele frequency of 0.06% in the gnomAD Exomes. This variant has been submitted to the ClinVar database as Pathogenic multiple submissions. SpliceAI predicts a score of 0.82 for this variant. Loss of function variants in HBB gene have been previously reported to be disease causing Aldakeel et al., 2019. For these reasons, this variant has been classified as Pathogenic.

Dubai Health Genomic Medicine Center, Dubai Health
Classification: Pathogenic. Last evaluated: 2022-12-17. Review status: criteria provided, single submitter. Criteria: ACMG Guidelines, 2015. Collection method: clinical testing. Allele origin: germline. Affected: yes. Not counted in ClinVar's aggregate classification.

Laboratory for Molecular Medicine, Mass General Brigham Personalized Medicine
Classification: Pathogenic for beta Thalassemia. Last evaluated: 2022-11-03. Review status: criteria provided, single submitter. Criteria: ACMG Guidelines, 2015. Collection method: clinical testing. Allele origin: germline. Not counted in ClinVar's aggregate classification.
Comment: The c.92+5G>C variant in HBB has been reported, in the homozygous and compound heterozygous state, in numerous individuals with beta thalassemia major and beta thalassemia intermedia (selected references Kazazian 1984 PMID: 6714226, Muhammad 2017 PMID: 28635337). It has been reported in ClinVar (Variation ID 15447) and has been identified in 35/4822 South Asian chromosomes by gnomAD. This variant is located in the 5' splice region. Computational tools predict a splicing impact and functional studies have shown it reduces or completelys deactivate the natural splice donor site in intron 1 and activates three cryptic splice donor sites (Treisman 1983 PMID: 6188062). Different splice variants at this residue (c.92+5G>A, c.92+5G>T) have been reported as pathogenic in ClinVar. In summary, this variant meets criteria to be classified as pathogenic for autosomal recessive beta thalassemia. ACMG/AMP Criteria applied: PM2_Supporting,PP3, PS3_Moderate, PM3_very strong.

MGZ Medical Genetics Center
Classification: Pathogenic for Beta-thalassemia HBB/LCRB. Last evaluated: 2022-08-09. Review status: criteria provided, single submitter. Criteria: ACMG Guidelines, 2015. Collection method: clinical testing. Allele origin: germline. Affected: yes. Observed: 1 variant allele. Not counted in ClinVar's aggregate classification.
Comment: ACMG criteria applied: PM3_STR, PS3_MOD, PS4_MOD, PM2_SUP, PP3

Mayo Clinic Laboratories, Mayo Clinic
Classification: Pathogenic. Last evaluated: 2022-06-28. Review status: criteria provided, single submitter. Criteria: ACMG Guidelines, 2015. Collection method: clinical testing. Allele origin: germline. Observed: 7 variant alleles. Not counted in ClinVar's aggregate classification.

Clinical Genetics Laboratory, Skane University Hospital Lund
Classification: Pathogenic. Last evaluated: 2022-06-01. Review status: criteria provided, single submitter. Criteria: ACMG Guidelines, 2015. Collection method: clinical testing. Allele origin: germline. Affected: yes. Not counted in ClinVar's aggregate classification.

GeneDx
Classification: Pathogenic. Last evaluated: 2021-12-22. Review status: criteria provided, single submitter. Criteria: GeneDx Variant Classification Process June 2021. Collection method: clinical testing. Allele origin: germline. Affected: yes. Not counted in ClinVar's aggregate classification.
Comment: Reported in association with beta thalassemia major and beta thalassemia intermedia when in the homozygous or compound heterozygous state, opposite of a second HBB variant (Kazazian et al., 1984; Baysal, et al., 2011; Al-Allawi et al., 2013; Chaudhary et al., 2016).; Non-canonical splice site variant demonstrated to reduce or completely deactivate the natural splice donor site in intron 1 and activate three cryptic splice donor sites (Treisman et al., 1983; Divoky et al., 1992); Different splice variants at this residue (c.92+5G>A; c.92+5G>T) have been reported as pathogenic in ClinVar and at GeneDx (ClinVar SCV# 15449; 15448; ClinVar); This variant is associated with the following publications: (PMID: 6188062, 23348723, 22975760, 6585831, 31714438, 25525159, 1463768, 6714226, 23826747, 20301599, 22074124, 27134826, 23234478, 27690257, 20132300, 19000664, 18294253, 27263053, 2004023, 16291734, 14576320, 28635337, 29651865, 31589614, 31890591, 9163586)

Genome-Nilou Lab
Classification: Pathogenic for Beta-thalassemia HBB/LCRB. Last evaluated: 2021-07-22. Review status: criteria provided, single submitter. Criteria: ACMG Guidelines, 2015. Collection method: clinical testing. Allele origin: germline. Affected: no. Not counted in ClinVar's aggregate classification.

Kasturba Medical College, Manipal, Kasturba Medical College, Manipal, Manipal Academy of Higher Education, Manipal, India
Classification: Pathogenic for Beta-thalassemia major. Last evaluated: 2021-02-16. Review status: criteria provided, single submitter. Criteria: ACMG Guidelines, 2015. Collection method: clinical testing. Allele origin: germline. Affected: yes. Not counted in ClinVar's aggregate classification.

Myriad Genetics, Inc.
Classification: Pathogenic for Beta-thalassemia HBB/LCRB. Last evaluated: 2019-11-12. Review status: criteria provided, single submitter. Criteria: Myriad Women's Health Autosomal Recessive and X-Linked Classification Criteria (2019). Collection method: clinical testing. Allele origin: unknown. Not counted in ClinVar's aggregate classification.
Comment: NM_000518.4(HBB):c.92+5G>C(aka IVS-I-5) is classified as pathogenic in the context of Hb beta chain-related hemoglobinopathy and is associated with beta thalessemia. Sources cited for classification include the following: PMID: 6714226, 6188062, 19000664, 18294253, and 23348723. Classification of NM_000518.4(HBB):c.92+5G>C(aka IVS-I-5) is based on the following criteria: This is a well-established pathogenic variant in the literature that has been observed more frequently in patients with clinical diagnoses than in healthy populations. Please note: this variant was assessed in the context of healthy population screening.

Fulgent Genetics
Classification: Pathogenic for Heinz body anemia; Hereditary persistence of fetal hemoglobin; Dominant beta-thalassemia; Hb SS disease; alpha Thalassemia; Malaria, susceptibility to; Beta-thalassemia HBB/LCRB; METHEMOGLOBINEMIA, BETA TYPE; Erythrocytosis, familial, 6. Last evaluated: 2018-10-31. Review status: criteria provided, single submitter. Criteria: ACMG Guidelines, 2015. Collection method: clinical testing. Allele origin: unknown. Not counted in ClinVar's aggregate classification.

Eurofins Ntd Llc (ga)
Classification: Pathogenic. Last evaluated: 2018-05-23. Review status: criteria provided, single submitter. Criteria: EGL ClinVar v180209 classification definitions. Collection method: clinical testing. Allele origin: germline. Observed: 1 variant allele, 1 heterozygote. Not counted in ClinVar's aggregate classification.

Institute of Human Genetics Munich, TUM University Hospital
Classification: Pathogenic for Beta-thalassemia HBB/LCRB. Last evaluated: 2017-12-13. Review status: criteria provided, single submitter. Criteria: Classification criteria August 2017. Collection method: clinical testing. Allele origin: paternal. Inheritance: Autosomal dominant inheritance. Affected: yes. Observed: 1 heterozygote. Not counted in ClinVar's aggregate classification.

Quest Diagnostics Nichols Institute San Juan Capistrano
Classification: Pathogenic. Last evaluated: 2017-07-10. Review status: criteria provided, single submitter. Criteria: Quest Diagnostics criteria. Collection method: clinical testing. Allele origin: germline. Not counted in ClinVar's aggregate classification.

Ambry Genetics
Classification: Pathogenic for Inborn genetic diseases. Last evaluated: 2017-04-13. Review status: criteria provided, single submitter. Criteria: Ambry Variant Classification Scheme 2023. Collection method: clinical testing. Allele origin: germline. Not counted in ClinVar's aggregate classification.
Comment: The c.92+5G>C intronic pathogenic mutation results from a G to C substitution 5 nucleotides after coding exon 1 in the HBB gene. This mutation has been detected in individuals with beta-thalassemia (Agarwal S et al. Int J Lab Hematol, 2010 Jun;32:369-72; Sivalingam M et al. Int J Lab Hematol, 2012 Aug;34:377-82; Sirdah MM et al. Blood Cells Mol. Dis., 2013 Apr;50:247-51). In addition, this mutation showed reduced splicing efficiency with approximately half of the amount of RNA compared to wild type (Treisman R et al. Nature, 1983 Apr;302:591-6). Based on the supporting evidence, this alteration is interpreted as a disease-causing mutation.

Baylor Genetics
Classification: Pathogenic for Hb SS disease. Review status: criteria provided, single submitter. Criteria: ACMG Guidelines, 2015. Collection method: clinical testing. Allele origin: germline. Not counted in ClinVar's aggregate classification.

Kariminejad - Najmabadi Pathology & Genetics Center
Classification: Pathogenic for Hb SS disease. Review status: criteria provided, single submitter. Criteria: ACMG Guidelines, 2015. Collection method: clinical testing. Allele origin: germline. Affected: no. Not counted in ClinVar's aggregate classification.

Kasturba Medical College, Manipal, Kasturba Medical College, Manipal, Manipal Academy of Higher Education, Manipal, India
Classification: Pathogenic for Hemoglobin E/beta- thalassemia. Review status: criteria provided, single submitter. Criteria: ACMG Guidelines, 2015. Collection method: research. Allele origin: paternal. Inheritance: Autosomal recessive inheritance. Affected: yes. Observed: 1 heterozygote. Not counted in ClinVar's aggregate classification.